The following is an entry in ClinVar:

NM_002470.4(MYH3):c.1282C>T (p.Leu428Phe)

Gene: MYH3 (myosin heavy chain 3; minus strand). Cytogenetic location: 17p13.1.
Variant type: single nucleotide variant.
Coding change: c.1282C>T on transcript NM_002470.4 (MANE Select); coding-DNA position 1282, C replaced by T.
Protein change: p.Leu428Phe; replaces leucine 428 with phenylalanine.
Molecular consequence: missense variant.
Genome position (GRCh38, 1-based): chr17:10,644,479, G>A on the plus strand (C>T on the coding strand, the complement: MYH3 is on the minus strand). VCF-style: chr17-10644479-G-A. GRCh37 (hg19) VCF-style: chr17-10547796-G-A.
Other names: short protein forms L428F.
Identifiers: ClinVar variation 4830761 (VCV004830761.1).

ClinVar aggregate classification (germline): Uncertain significance (1 of 4 stars; one submission).

Conditions:
Inborn genetic diseases. Identifiers: MedGen C0950123, MeSH D030342.

gnomAD v4.1: 6 of 1,614,108 alleles (0.00037%); highest among the groups gnomAD compares: Non-Finnish European, 0.00051%; no homozygotes.

Submission:

Ambry Genetics
Classification: Uncertain significance for Inborn genetic diseases. Last evaluated: 2026-03-03. Review status: criteria provided, single submitter. Criteria: Ambry Variant Classification Scheme 2023. Collection method: clinical testing. Allele origin: germline.
Comment: The c.1282C>T (p.L428F) alteration is located in exon 14 (coding exon 12) of the MYH3 gene. This alteration results from a C to T substitution at nucleotide position 1282, causing the leucine (L) at amino acid position 428 to be replaced by a phenylalanine (F). Based on data from gnomAD, the T allele has an overall frequency of 0.001% (2/251482) total alleles studied. The highest observed frequency was 0.002% (2/113760) of European (non-Finnish) alleles. Based on insufficient or conflicting evidence, the clinical significance of this alteration remains unclear.